The following is an entry in ClinVar:

ClinVar aggregate classification (germline): Uncertain significance (1 of 4 stars; one submission).

Submission:

GeneDx
Classification: Uncertain significance. Last evaluated: 2024-06-10. Review status: criteria provided, single submitter. Criteria: GeneDx Variant Classification Process June 2021. Collection method: clinical testing. Allele origin: germline. Affected: yes.
Comment: Not observed at significant frequency in large population cohorts (gnomAD); Missense variant in a gene in which most reported pathogenic variants are truncating/loss of function; Has not been previously published as pathogenic or benign to our knowledge

NM_001267550.2(TTN):c.98927A>T (p.Asn32976Ile)

Genes: TTN (titin; minus strand), TTN-AS1 (TTN antisense RNA 1; plus strand). Cytogenetic location: 2q31.2.
Variant type: single nucleotide variant.
Coding change: c.98927A>T on transcript NM_001267550.2 (MANE Select); coding-DNA position 98927, A replaced by T.
Protein change: p.Asn32976Ile; replaces asparagine 32976 with isoleucine.
Molecular consequence: missense variant. On other transcripts: non-coding transcript variant (1).
Genome position (GRCh38, 1-based): chr2:178,539,008, T>A on the plus strand (A>T on the coding strand, the complement: TTN is on the minus strand). VCF-style: chr2-178539008-T-A. GRCh37 (hg19) VCF-style: chr2-179403735-T-A.
Other names: c.94004A>T, p.Asn31335Ile (NM_001256850.1); c.71732A>T, p.Asn23911Ile (NM_003319.4); c.91223A>T, p.Asn30408Ile (NM_133378.4); c.72107A>T, p.Asn24036Ile (NM_133432.3); c.72308A>T, p.Asn24103Ile (NM_133437.4); short protein forms N23911I, N24036I, N24103I, N30408I, N31335I, N32976I.
Identifiers: ClinVar variation 3390784 (VCV003390784.1).
Genomic context (GRCh38, chr2:178,539,008, plus strand): 5'-AATGGATCTTTGCAAACAACTGGTTCAGAAGCAGGGCTGGTCTCACTCAGGCCAACATCA[T>A]TCTGTGCGATGATGCGGAACTGATACTCAGCATCGGGAACAAGCCCTGTGACAGTGTACA-3'
Protein context (NP_001254479.2, residues 32966-32986): AEYQFRIIAQ[Asn32976Ile]DVGLSETSPA